The following is an entry in ClinVar:

NM_005859.5(PURA):c.325G>T (p.Glu109Ter)

Gene: PURA (purine rich element binding protein A; plus strand). Cytogenetic location: 5q31.3.
Variant type: single nucleotide variant.
Coding change: c.325G>T on transcript NM_005859.5 (MANE Select); coding-DNA position 325, G replaced by T.
Protein change: p.Glu109Ter; replaces glutamic acid 109 with a stop codon.
Molecular consequence: nonsense.
Genome position (GRCh38, 1-based): chr5:140,114,506, G>T. VCF-style: chr5-140114506-G-T. GRCh37 (hg19) VCF-style: chr5-139494091-G-T.
Other names: short protein forms E109*.
Identifiers: ClinVar variation 504149 (VCV000504149.2), dbSNP rs1554129064, ClinGen allele CA361490511.
Genomic context (GRCh38, chr5:140,114,506, plus strand): 5'-GCCGAGGTGGGCGCGGGCGGCAACAAGAGCCGCCTTACTCTCTCCATGTCAGTGGCCGTG[G>T]AGTTCCGCGACTACCTGGGCGACTTCATCGAGCACTACGCGCAGCTGGGCCCCAGCCAGC-3'

ClinVar aggregate classification (germline): Pathogenic (1 of 4 stars; one submission).

Submission:

GeneDx
Classification: Pathogenic. Last evaluated: 2018-01-30. Review status: criteria provided, single submitter. Criteria: GeneDx Variant Classification (06012015). Collection method: clinical testing. Allele origin: germline. Affected: yes.
Comment: The E109X variant in the PURA gene has not been reported previously as a pathogenic variant nor as a benign variant, to our knowledge. This variant is predicted to cause loss of normal protein function through protein truncation. Protein truncating variants downstream of this variant have been reported in the Human Gene Mutation Database in association with PURA-related disorders (Stenson et al., 2014), supporting the pathogenicity of more upstream truncating variants. The E109X variant is not observed in large population cohorts (Lek et al., 2016). We interpret E109X as a pathogenic variant.